The following is an entry in ClinVar:

NM_000057.4(BLM):c.2824G>C (p.Val942Leu)

Gene: BLM (BLM RecQ like helicase; plus strand). Cytogenetic location: 15q26.1.
Variant type: single nucleotide variant.
Coding change: c.2824G>C on transcript NM_000057.4 (MANE Select); coding-DNA position 2824, G replaced by C.
Protein change: p.Val942Leu; replaces valine 942 with leucine.
Molecular consequence: missense variant.
Genome position (GRCh38, 1-based): chr15:90,790,649, G>C. VCF-style: chr15-90790649-G-C. GRCh37 (hg19) VCF-style: chr15-91333879-G-C.
Other names: c.2824G>C, p.Val942Leu (NM_001287246.2, NM_001287247.2); c.1699G>C, p.Val567Leu (NM_001287248.2); short protein forms V942L, V567L.
Identifiers: ClinVar variation 2700036 (VCV002700036.3), dbSNP rs2505515828, ClinGen allele CA393846216.

ClinVar aggregate classification (germline): Uncertain significance (1 of 4 stars; one submission).

Conditions:
Bloom syndrome (BLM). Also called: Bloom-Torre-Machacek syndrome. Identifiers: Orphanet 125, MedGen C0005859, MONDO:0008876, OMIM 210900.

Submission:

Labcorp Genetics (formerly Invitae), Labcorp
Classification: Uncertain significance for Bloom syndrome. Last evaluated: 2023-12-01. Review status: criteria provided, single submitter. Criteria: Invitae Variant Classification Sherloc (09022015). Collection method: clinical testing. Allele origin: germline.
Comment: This sequence change replaces valine, which is neutral and non-polar, with leucine, which is neutral and non-polar, at codon 942 of the BLM protein (p.Val942Leu). This variant is not present in population databases (gnomAD no frequency). This variant has not been reported in the literature in individuals affected with BLM-related conditions. An algorithm developed to predict the effect of missense changes on protein structure and function (PolyPhen-2) suggests that this variant is likely to be disruptive. In summary, the available evidence is currently insufficient to determine the role of this variant in disease. Therefore, it has been classified as a Variant of Uncertain Significance.